The following is an entry in ClinVar:

NM_004082.5(DCTN1):c.2377G>C (p.Asp793His)

Gene: DCTN1 (dynactin subunit 1; minus strand). Cytogenetic location: 2p13.1.
Variant type: single nucleotide variant.
Coding change: c.2377G>C on transcript NM_004082.5 (MANE Select); coding-DNA position 2377, G replaced by C.
Protein change: p.Asp793His; replaces aspartic acid 793 with histidine.
Molecular consequence: missense variant. On other transcripts: non-coding transcript variant (1).
Genome position (GRCh38, 1-based): chr2:74,366,872, C>G on the plus strand (G>C on the coding strand, the complement: DCTN1 is on the minus strand). VCF-style: chr2-74366872-C-G. GRCh37 (hg19) VCF-style: chr2-74593999-C-G.
Other names: c.2317G>C, p.Asp773His (NM_001135040.3); c.1975G>C, p.Asp659His (NM_001135041.3, NM_023019.4); c.2266G>C, p.Asp756His (NM_001190836.2); c.2356G>C, p.Asp786His (NM_001190837.2); c.2326G>C, p.Asp776His (NM_001378991.1); c.2308G>C, p.Asp770His (NM_001378992.1); short protein forms D659H, D756H, D770H, D773H, D776H, D786H, D793H.
Identifiers: ClinVar variation 1678336 (VCV001678336.2), dbSNP rs1488334244, ClinGen allele CA347347607.

ClinVar aggregate classification (germline): Uncertain significance. Review status: criteria provided, multiple submitters, no conflicts (2 of 4 stars). 2 submissions from 2 submitters: Uncertain significance (2). Last evaluated 2025-05-08.

Allele frequency attached by ClinVar (database versions not stated): gnomAD 0.00001.
gnomAD v4.1: 4 of 1,614,114 alleles (0.00025%); highest among the groups gnomAD compares: Non-Finnish European, 0.00034%; no homozygotes.

Submissions (2):

Women's Health and Genetics/Laboratory Corporation of America, LabCorp
Classification: Uncertain significance. Last evaluated: 2025-05-08. Review status: criteria provided, single submitter. Criteria: LabCorp Variant Classification Summary - May 2015. Collection method: clinical testing. Allele origin: germline.
Comment: Variant summary: DCTN1 c.2377G>C (p.Asp793His) results in a non-conservative amino acid change in the encoded protein sequence. Algorithms developed to predict the effect of missense changes on protein structure and function all suggest that this variant is likely to be disruptive. The variant was absent in 251478 control chromosomes. The available data on variant occurrences in the general population are insufficient to allow any conclusion about variant significance. To our knowledge, no occurrence of c.2377G>C in individuals affected with Neuronopathy, distal hereditary motor, type 7B and no experimental evidence demonstrating its impact on protein function have been reported. ClinVar contains an entry for this variant (Variation ID: 1678336). Based on the evidence outlined above, the variant was classified as uncertain significance.

AiLife Diagnostics
Classification: Uncertain significance. Last evaluated: 2020-11-11. Review status: criteria provided, single submitter. Criteria: ACMG Guidelines, 2015. Collection method: clinical testing. Allele origin: germline. Affected: yes. Observed: 1 variant allele.